The following is an entry in ClinVar:

NM_000550.3(TYRP1):c.919G>A (p.Glu307Lys)

Genes: LURAP1L-AS1 (LURAP1L antisense RNA 1; minus strand), TYRP1 (tyrosinase related protein 1; plus strand). Cytogenetic location: 9p23.
Variant type: single nucleotide variant.
Coding change: c.919G>A on transcript NM_000550.3 (MANE Select); coding-DNA position 919, G replaced by A.
Protein change: p.Glu307Lys; replaces glutamic acid 307 with lysine.
Molecular consequence: missense variant.
Genome position (GRCh38, 1-based): chr9:12,702,276, G>A. VCF-style: chr9-12702276-G-A. GRCh37 (hg19) VCF-style: chr9-12702276-G-A.
Other names: c.919G>A (NM_000550.2); short protein forms E307K.
Identifiers: ClinVar variation 2152054 (VCV002152054.4), dbSNP rs770681012, ClinGen allele CA4985382.
Genomic context (GRCh38, chr9:12,702,276, plus strand): 5'-CAATAAGAACTCCAAACATTGTGTAAATGTTTCCACATCCCATTTTTTTCTGCAGGCACC[G>A]AGGATGGGCCAATTAGGAGAAATCCAGCTGGAAATGTGGCCAGACCAATGGTGCAACGTC-3'
Protein context (NP_000541.1, residues 297-317): DTLGTLCNST[Glu307Lys]DGPIRRNPAG

ClinVar aggregate classification (germline): Uncertain significance. Review status: criteria provided, single submitter (1 of 4 stars). 2 submissions from 2 submitters: Uncertain significance (1). 1 of the submissions does not count toward it. Last evaluated 2022-03-11.

Conditions:
TYRP1-related disorder. Also called: TYRP1-related condition.

Allele frequency attached by ClinVar (database versions not stated): ExAC 0.00002; TOPMed 0.00002; gnomAD 0.00003.
gnomAD v4.1: 49 of 1,612,730 alleles (0.003%); highest among the groups gnomAD compares: African/African-American, 0.012%; no homozygotes.

Submissions (2):

Labcorp Genetics (formerly Invitae), Labcorp
Classification: Uncertain significance. Last evaluated: 2022-03-11. Review status: criteria provided, single submitter. Criteria: Invitae Variant Classification Sherloc (09022015). Collection method: clinical testing. Allele origin: germline.
Comment: This sequence change replaces glutamic acid, which is acidic and polar, with lysine, which is basic and polar, at codon 307 of the TYRP1 protein (p.Glu307Lys). This variant is present in population databases (rs770681012, gnomAD 0.01%). This missense change has been observed in individual(s) with albinism (PMID: 29345414). Algorithms developed to predict the effect of missense changes on protein structure and function are either unavailable or do not agree on the potential impact of this missense change (SIFT: "Deleterious"; PolyPhen-2: "Possibly Damaging"; Align-GVGD: "Class C0"). In summary, the available evidence is currently insufficient to determine the role of this variant in disease. Therefore, it has been classified as a Variant of Uncertain Significance.

PreventionGenetics, part of Exact Sciences
Classification: Likely pathogenic for TYRP1-related condition. Last evaluated: 2024-01-16. Review status: no assertion criteria provided. Collection method: clinical testing. Allele origin: germline. Not counted in ClinVar's aggregate classification.
Comment: The TYRP1 c.919G>A variant is predicted to result in the amino acid substitution p.Glu307Lys. This variant has been reported along with a canonical splice site variant in an individual with oculocutaneous albinism (Table S4 in Lasseaux et al. 2018. PubMed ID: 29345414). This variant is reported in 0.012% of alleles in individuals of African descent in gnomAD. Given the evidence, we interpret this variant as likely pathogenic.

Literature cited by the submitters: PubMed 29345414 (cited by Labcorp Genetics (formerly Invitae), Labcorp).